The following is an entry in ClinVar:

NM_015450.3(POT1):c.760G>C (p.Glu254Gln)

Gene: POT1 (protection of telomeres 1; minus strand). Cytogenetic location: 7q31.33.
Variant type: single nucleotide variant.
Coding change: c.760G>C on transcript NM_015450.3 (MANE Select); coding-DNA position 760, G replaced by C.
Protein change: p.Glu254Gln; replaces glutamic acid 254 with glutamine.
Molecular consequence: missense variant. On other transcripts: non-coding transcript variant (3).
Genome position (GRCh38, 1-based): chr7:124,853,081, C>G on the plus strand (G>C on the coding strand, the complement: POT1 is on the minus strand). VCF-style: chr7-124853081-C-G. GRCh37 (hg19) VCF-style: chr7-124493135-C-G.
Other names: c.367G>C, p.Glu123Gln (NM_001042594.2); short protein forms E123Q, E254Q.
Identifiers: ClinVar variation 5027195 (VCV005027195.1).
Genomic context (GRCh38, chr7:124,853,081, plus strand): 5'-CCCGACCGTAACTGGTACCTCCATGAAGATGAAACTCTAAACTTAACATTGTCTGATTCT[C>G]TGAATTCATTGATTGAAGTTTGGTATGAAGGCTATAGATTCTAAGAAAGCTTCCAACCTA-3'
Protein context (NP_056265.2, residues 244-264): LHTKLQSMNS[Glu254Gln]NQTMLSLEFH

ClinVar aggregate classification (germline): Uncertain significance (1 of 4 stars; one submission).

Conditions:
Hereditary cancer-predisposing syndrome. Also called: Neoplastic Syndromes, Hereditary; Tumor predisposition; Hereditary neoplastic syndrome; Hereditary Cancer Syndrome. Identifiers: Orphanet 140162, MedGen C0027672, MeSH D009386, MONDO:0015356.

gnomAD v4.1: 1 of 1,609,266 alleles (0.000062%); highest among the groups gnomAD compares: Non-Finnish European, 0.000085%; no homozygotes.

Submission:

Ambry Genetics
Classification: Uncertain significance for Hereditary cancer-predisposing syndrome. Last evaluated: 2026-08-27. Review status: criteria provided, single submitter. Criteria: Ambry Variant Classification Scheme 2023. Collection method: clinical testing. Allele origin: germline.
Comment: The p.E254Q variant (also known as c.760G>C), located in coding exon 6 of the POT1 gene, results from a G to C substitution at nucleotide position 760. The glutamic acid at codon 254 is replaced by glutamine, an amino acid with highly similar properties. This amino acid position is conserved. In addition, this alteration is predicted to be tolerated by in silico analysis. Based on the available evidence, the clinical significance of this variant remains unclear.